The following is an entry in ClinVar:

NM_006231.4(POLE):c.1794+5C>A

Gene: POLE (DNA polymerase epsilon, catalytic subunit; minus strand). Cytogenetic location: 12q24.33.
Variant type: single nucleotide variant.
Coding change: c.1794+5C>A on transcript NM_006231.4 (MANE Select); 5 bases into the intron after coding-DNA position 1794, C replaced by A.
Molecular consequence: intron variant.
Genome position (GRCh38, 1-based): chr12:132,672,210, G>T on the plus strand (C>A on the coding strand, the complement: POLE is on the minus strand). VCF-style: chr12-132672210-G-T. GRCh37 (hg19) VCF-style: chr12-133248796-G-T.
Identifiers: ClinVar variation 484570 (VCV000484570.16), dbSNP rs200095915, ClinGen allele CA246292857.

ClinVar aggregate classification (germline): Conflicting classifications of pathogenicity. Review status: criteria provided, conflicting classifications (1 of 4 stars). 2 submissions from 2 submitters: Uncertain significance (1); Likely benign (1). Last evaluated 2025-09-27.

Conditions:
Hereditary cancer-predisposing syndrome. Also called: Neoplastic Syndromes, Hereditary; Tumor predisposition; Hereditary Cancer Syndrome; Hereditary neoplastic syndrome. Identifiers: Orphanet 140162, MedGen C0027672, MeSH D009386, MONDO:0015356.

Allele frequency attached by ClinVar (database versions not stated): TOPMed 0.00001.
gnomAD v4.1: 14 of 1,604,956 alleles (0.00087%); highest among the groups gnomAD compares: Non-Finnish European, 0.0011%; no homozygotes.

Submissions (2):

Labcorp Genetics (formerly Invitae), Labcorp
Classification: Likely benign. Last evaluated: 2025-09-27. Review status: criteria provided, single submitter. Criteria: Invitae Variant Classification Sherloc (09022015). Collection method: clinical testing. Allele origin: germline.

Ambry Genetics
Classification: Uncertain significance for Hereditary cancer-predisposing syndrome. Last evaluated: 2025-03-03. Review status: criteria provided, single submitter. Criteria: Ambry Variant Classification Scheme 2023. Collection method: clinical testing. Allele origin: germline.
Comment: The c.1794+5C>A intronic variant results from a C to A substitution 5 nucleotides after coding exon 16 in the POLE gene. This nucleotide position is well conserved on limited sequence alignment. In silico splice site analysis predicts that this alteration will not have any significant effect on splicing. Based on the available evidence, the clinical significance of this variant remains unclear.